The following is an entry in ClinVar:

ClinVar aggregate classification (germline): Likely pathogenic (1 of 4 stars; one submission).

Conditions:
Bethlem myopathy 1A. Also called: Bethlem myopathy 1; Bethlem Muscular Dystrophy; MYOPATHY, BENIGN CONGENITAL, WITH CONTRACTURES. Identifiers: Orphanet 610, MedGen CN029274, MONDO:0024530, OMIM 158810.

Submission:

Labcorp Genetics (formerly Invitae), Labcorp
Classification: Likely pathogenic for Bethlem myopathy 1A. Last evaluated: 2023-07-07. Review status: criteria provided, single submitter. Criteria: Invitae Variant Classification Sherloc (09022015). Collection method: clinical testing. Allele origin: germline.
Comment: In summary, the currently available evidence indicates that the variant is pathogenic, but additional data are needed to prove that conclusively. Therefore, this variant has been classified as Likely Pathogenic. Algorithms developed to predict the effect of sequence changes on RNA splicing suggest that this variant may disrupt the consensus splice site. This variant has not been reported in the literature in individuals affected with COL6A3-related conditions. This variant is not present in population databases (gnomAD no frequency). This sequence change affects an acceptor splice site in intron 20 of the COL6A3 gene. It is expected to disrupt RNA splicing. Variants that disrupt the donor or acceptor splice site typically lead to a loss of protein function (PMID: 16199547), and loss-of-function variants in COL6A3 are known to be disease-causing for autosomal recessive COL6A3 conditions (PMID: 21280092, 20976770). However, certain variants affecting donor or acceptor splice sites in the triple helical domain of COL6A3 are expected to result in in-frame exon skipping and have been reported to cause autosomal dominant COL6A3-related conditions (PMID: 18366090).

Literature cited by the submitters: PubMed 16199547; PubMed 21280092; PubMed 20976770; PubMed 18366090.

NM_004369.4(COL6A3):c.6409-1G>C

Gene: COL6A3 (collagen type VI alpha 3 chain; minus strand). Cytogenetic location: 2q37.3.
Variant type: single nucleotide variant.
Coding change: c.6409-1G>C on transcript NM_004369.4 (MANE Select); the canonical splice acceptor site of the intron before coding-DNA position 6409, G replaced by C.
Molecular consequence: splice acceptor variant.
Genome position (GRCh38, 1-based): chr2:237,358,584, C>G on the plus strand (G>C on the coding strand, the complement: COL6A3 is on the minus strand). VCF-style: chr2-237358584-C-G. GRCh37 (hg19) VCF-style: chr2-238267227-C-G.
Other names: c.4588-1G>C (NM_057166.5); c.5791-1G>C (NM_057167.4).
Identifiers: ClinVar variation 2737185 (VCV002737185.3), dbSNP rs2469856775, ClinGen allele CA351215495.